The following is an entry in ClinVar:

ClinVar aggregate classification (germline): Uncertain significance (1 of 4 stars; one submission).

Conditions:
Rauch-Steindl syndrome (RAUST). Identifiers: Orphanet 659642, MedGen C5562061, MONDO:0859219, OMIM 619695.

Submission:

3billion
Classification: Uncertain significance for Rauch-Steindl syndrome. Last evaluated: 2024-12-19. Review status: criteria provided, single submitter. Criteria: ACMG Guidelines, 2015. Collection method: clinical testing. Allele origin: germline. Affected: yes.
Comment: The variant is not observed in the gnomAD v4.1.0 dataset. Predicted Consequence/Location: Missense variant. Missense changes are a common disease-causing mechanism. In silico tool predictions suggest damaging effect of the variant on gene or gene product [REVEL: 0.92 (>=0.6, sensitivity 0.68 and specificity 0.92); 3Cnet: 0.97 (>=0.6, sensitivity 0.72 and precision 0.9)]. A different missense change at the same codon (p.Pro895Leu) have been reported to be associated with NSD2-related disorder (PMID: 33941880). Therefore, this variant is classified as VUS according to the recommendation of ACMG/AMP guideline.

Literature cited by the submitters: PubMed 33941880.

NM_001042424.3(NSD2):c.2683C>T (p.Pro895Ser)

Gene: NSD2 (nuclear receptor binding SET domain protein 2; plus strand). Cytogenetic location: 4p16.3.
Variant type: single nucleotide variant.
Coding change: c.2683C>T on transcript NM_001042424.3 (MANE Select); coding-DNA position 2683, C replaced by T.
Protein change: p.Pro895Ser; replaces proline 895 with serine.
Molecular consequence: missense variant.
Genome position (GRCh38, 1-based): chr4:1,955,990, C>T. VCF-style: chr4-1955990-C-T. GRCh37 (hg19) VCF-style: chr4-1957717-C-T.
Other names: c.2683C>T, p.Pro895Ser (NM_001440892.1, NM_001440894.1, NM_001440895.1 and 3 more transcripts); c.2782C>T, p.Pro928Ser (NM_001440893.1); c.2482C>T, p.Pro828Ser (NM_001440896.1); c.2476C>T, p.Pro826Ser (NM_001440897.1, NM_001440898.1); c.1714C>T, p.Pro572Ser (NM_001440899.1, NM_001440900.1); short protein forms P572S, P826S, P828S, P895S, P928S.
Identifiers: ClinVar variation 4293427 (VCV004293427.1).